The following is an entry in ClinVar:

ClinVar aggregate classification (germline): Uncertain significance (1 of 4 stars; one submission).

Conditions:
Charcot-Marie-Tooth disease type 2. Also called: Charcot-Marie-Tooth type 2. Identifiers: Orphanet 64746, MedGen C0270914, MONDO:0018993.

Allele frequency attached by ClinVar (database versions not stated): TOPMed below 0.00001; gnomAD 0.00001.
gnomAD v4.1: 1 of 1,614,048 alleles (0.000062%); highest among the groups gnomAD compares: Non-Finnish European, 0.000085%; no homozygotes.

Submission:

Labcorp Genetics (formerly Invitae), Labcorp
Classification: Uncertain significance for Charcot-Marie-Tooth disease type 2. Last evaluated: 2023-04-29. Review status: criteria provided, single submitter. Criteria: Invitae Variant Classification Sherloc (09022015). Collection method: clinical testing. Allele origin: germline.
Comment: This sequence change replaces glutamine, which is neutral and polar, with arginine, which is basic and polar, at codon 496 of the GARS protein (p.Gln496Arg). This variant is not present in population databases (gnomAD no frequency). This variant has not been reported in the literature in individuals affected with GARS-related conditions. ClinVar contains an entry for this variant (Variation ID: 476751). Advanced modeling of protein sequence and biophysical properties (such as structural, functional, and spatial information, amino acid conservation, physicochemical variation, residue mobility, and thermodynamic stability) performed at Invitae indicates that this missense variant is not expected to disrupt GARS protein function. In summary, the available evidence is currently insufficient to determine the role of this variant in disease. Therefore, it has been classified as a Variant of Uncertain Significance.

NM_002047.4(GARS1):c.1487A>G (p.Gln496Arg)

Gene: GARS1 (glycyl-tRNA synthetase 1; plus strand). Cytogenetic location: 7p14.3.
Variant type: single nucleotide variant.
Coding change: c.1487A>G on transcript NM_002047.4 (MANE Select); coding-DNA position 1487, A replaced by G.
Protein change: p.Gln496Arg; replaces glutamine 496 with arginine.
Molecular consequence: missense variant.
Genome position (GRCh38, 1-based): chr7:30,622,336, A>G. VCF-style: chr7-30622336-A-G. GRCh37 (hg19) VCF-style: chr7-30661952-A-G.
Other names: c.1487A>G (LRG_243t1); c.1325A>G, p.Gln442Arg (NM_001316772.1); short protein forms Q496R, Q442R.
Identifiers: ClinVar variation 476751 (VCV000476751.8), dbSNP rs1325522512, ClinGen allele CA367128590.